The following is an entry in ClinVar:

NM_000093.5(COL5A1):c.2321A>C (p.Lys774Thr)

Gene: COL5A1 (collagen type V alpha 1 chain; plus strand). Cytogenetic location: 9q34.3.
Variant type: single nucleotide variant.
Coding change: c.2321A>C on transcript NM_000093.5 (MANE Select); coding-DNA position 2321, A replaced by C.
Protein change: p.Lys774Thr; replaces lysine 774 with threonine.
Molecular consequence: missense variant.
Genome position (GRCh38, 1-based): chr9:134,772,824, A>C. VCF-style: chr9-134772824-A-C. GRCh37 (hg19) VCF-style: chr9-137664670-A-C.
Other names: c.2321A>C, p.Lys774Thr (NM_001278074.1); c.2321A>C (NM_000093.3); short protein forms K774T.
Identifiers: ClinVar variation 573909 (VCV000573909.11), dbSNP rs1564449370, ClinGen allele CA375451266.
Genomic context (GRCh38, chr9:134,772,824, plus strand): 5'-AATCAATGCTTCTTCTTTTGTGACAGGGACACCCTGGCAAAGAAGGCCCTCCAGGAGAGA[A>C]AGGAGGTCAGGTGGGTGCTCGCCACGCCCTCCTACCCTTCAGCATCCAGGTGGGGCGGGT-3'
Protein context (NP_000084.3, residues 764-784): HPGKEGPPGE[Lys774Thr]GGQGPPGPQG

ClinVar aggregate classification (germline): Uncertain significance. Review status: criteria provided, multiple submitters, no conflicts (2 of 4 stars). 2 submissions from 2 submitters: Uncertain significance (2). Last evaluated 2024-08-31.

Conditions:
Ehlers-Danlos syndrome, classic type, 1 (EDSCL1). Also called: Ehlers-Danlos Syndrome, Classic Type, COL5A1-Related; EDS I; Ehlers-Danlos syndrome, type 1; EHLERS-DANLOS SYNDROME, GRAVIS TYPE; EHLERS-DANLOS SYNDROME, SEVERE CLASSIC TYPE. Identifiers: MedGen C0268335, MONDO:0019567, OMIM 130000.

Allele frequency attached by ClinVar (database versions not stated): gnomAD exomes below 0.00001.
gnomAD v4.1: 5 of 1,613,926 alleles (0.00031%); highest among the groups gnomAD compares: Non-Finnish European, 0.00042%; no homozygotes.

Submissions (2):

Labcorp Genetics (formerly Invitae), Labcorp
Classification: Uncertain significance for Ehlers-Danlos syndrome, classic type, 1. Last evaluated: 2024-08-31. Review status: criteria provided, single submitter. Criteria: Invitae Variant Classification Sherloc (09022015). Collection method: clinical testing. Allele origin: germline.
Comment: This sequence change replaces lysine, which is basic and polar, with threonine, which is neutral and polar, at codon 774 of the COL5A1 protein (p.Lys774Thr). This variant is not present in population databases (gnomAD no frequency). This variant has not been reported in the literature in individuals affected with COL5A1-related conditions. ClinVar contains an entry for this variant (Variation ID: 573909). Invitae Evidence Modeling of protein sequence and biophysical properties (such as structural, functional, and spatial information, amino acid conservation, physicochemical variation, residue mobility, and thermodynamic stability) has been performed for this missense variant. However, the output from this modeling did not meet the statistical confidence thresholds required to predict the impact of this variant on COL5A1 protein function. In summary, the available evidence is currently insufficient to determine the role of this variant in disease. Therefore, it has been classified as a Variant of Uncertain Significance.

GeneDx
Classification: Uncertain significance. Last evaluated: 2024-02-22. Review status: criteria provided, single submitter. Criteria: GeneDx Variant Classification Process June 2021. Collection method: clinical testing. Allele origin: germline. Affected: yes.
Comment: Not observed at significant frequency in large population cohorts (gnomAD); In silico analysis supports that this missense variant has a deleterious effect on protein structure/function; Has not been previously published as pathogenic or benign to our knowledge; Occurs in the triple helical domain at the Y position in the canonical Gly-X-Y repeat; although this variant may have an effect on normal protein folding and function, missense substitution at the Y position is not a common mechanism of disease (PMID: 22696272; HGMD); This variant is associated with the following publications: (PMID: 22696272)